The following is an entry in ClinVar:

ClinVar aggregate classification (germline): Pathogenic (1 of 4 stars; one submission).

Conditions:
Hypertrophic cardiomyopathy 20. Identifiers: MedGen C3151267, MONDO:0013477, OMIM 613876.
Dilated cardiomyopathy 1CC (CMD1CC). Identifiers: Orphanet 154, MedGen C2751084, MONDO:0013147, OMIM 613122.

Submission:

Labcorp Genetics (formerly Invitae), Labcorp
Classification: Pathogenic for Dilated cardiomyopathy 1CC; Hypertrophic cardiomyopathy 20. Last evaluated: 2026-01-15. Review status: criteria provided, single submitter. Criteria: Invitae Variant Classification Sherloc (09022015). Collection method: clinical testing. Allele origin: germline.
Comment: This sequence change inserts a large fragment of DNA, likely a transposable element, in exon 10 of the NEXN gene (c.1233_1234ins?), causing a frameshift at codon 412 (p.Arg412fs). The exact size and sequence of the insertion cannot be determined by the current assay. However, the insertion is expected to result in an absent or disrupted protein product. This variant is not present in population databases (gnomAD no frequency). This variant has not been reported in the literature in individuals affected with NEXN-related conditions. ClinVar contains an entry for this variant (Variation ID: 1382020). Retrotransposon insertions including LINE1 (L1), Alu, and SVA (SINE-VNTR-Alu) have been reported to be disease-causing through disruption of either a coding region or splice site (PMID: 19763152, 20307669, 22406018) and loss-of-function variants in NEXN are known to be pathogenic (PMID: 19881492, 32058062, 32814711, 32870709, 33949776, 38059363, 40680702). For these reasons, this variant has been classified as Pathogenic.

Literature cited by the submitters: PubMed 19763152; PubMed 20307669; PubMed 22406018; PubMed 19881492; PubMed 32058062; PubMed 32814711; PubMed 32870709; PubMed 33949776; PubMed 38059363; PubMed 40680702.

NM_144573.4(NEXN):c.1233_1234insGCCGGGCCCGGTGGCTCACGCCTGTAATCCCAGCACATTGGGAGGCCGAGACTGGAGGATCACGAGTTCAGGAGATCGATACCATACANNNNNNNNNNAAAAAAAAAAAAAAAAAAAAAAGAATTTGAACAACTG (p.Arg412delinsAlaGlyProGlyGlySerArgLeuTer)

Gene: NEXN (nexilin F-actin binding protein; plus strand). Cytogenetic location: 1p31.1.
Variant type: Insertion.
Coding change: c.1233_1234insGCCGGGCCCGGTGGCTCACGCCTGTAATCCCAGCACATTGGGAGGCCGAGACTGGAGGATCACGAGTTCAGGAGATCGATACCATACANNNNNNNNNNAAAAAAAAAAAAAAAAAAAAAAGAATTTGAACAACTG on transcript NM_144573.4 (MANE Select); coding-DNA positions 1233 to 1234, GCCGGGCCCGGTGGCTCACGCCTGTAATCCCAGCACATTGGGAGGCCGAGACTGGAGGATCACGAGTTCAGGAGATCGATACCATACANNNNNNNNNNAAAAAAAAAAAAAAAAAAAAAAGAATTTGAACAACTG inserted.
Protein change: p.Arg412delinsAlaGlyProGlyGlySerArgLeuTer.
Molecular consequence: nonsense.
Genome position: GRCh38: chr1:77,933,461-77,933,462. GRCh37 (hg19): chr1:78,399,146-78,399,147.
Other names: c.1041_1042insGCCGGGCCCGGTGGCTCACGCCTGTAATCCCAGCACATTGGGAGGCCGAGACTGGAGGATCACGAGTTCAGGAGATCGATACCATACANNNNNNNNNNAAAAAAAAAAAAAAAAAAAAAAGAATTTGAACAACTG, p.Arg348delinsAlaGlyProGlyGlySerArgLeuTer (NM_001172309.2).
Identifiers: ClinVar variation 1382020 (VCV001382020.6), dbSNP rs2102146999.